The following is an entry in ClinVar:

ClinVar aggregate classification (germline): Uncertain significance. Review status: criteria provided, multiple submitters, no conflicts (2 of 4 stars). 3 submissions from 3 submitters: Uncertain significance (3). Last evaluated 2024-06-13.

Conditions:
Inborn genetic diseases. Identifiers: MedGen C0950123, MeSH D030342.
Sucrase-isomaltase deficiency (CSID). Also called: SI DEFICIENCY; Deficiency of isomaltase; Congenital sucrose isomaltose malabsorption; Sucrose isomaltose enzyme deficiency. Identifiers: Orphanet 35122, MedGen C1283620, MONDO:0009114, OMIM 222900.

Allele frequency attached by ClinVar (database versions not stated): gnomAD 0.00002; TOPMed 0.00002.
gnomAD v4.1: 43 of 1,610,392 alleles (0.0027%); highest among the groups gnomAD compares: Non-Finnish European, 0.0034%; no homozygotes.

Submissions (3):

Ambry Genetics
Classification: Uncertain significance for Inborn genetic diseases. Last evaluated: 2024-06-13. Review status: criteria provided, single submitter. Criteria: Ambry Variant Classification Scheme 2023. Collection method: clinical testing. Allele origin: germline.

Fulgent Genetics
Classification: Uncertain significance for Sucrase-isomaltase deficiency. Last evaluated: 2024-03-27. Review status: criteria provided, single submitter. Criteria: ACMG Guidelines, 2015. Collection method: clinical testing. Allele origin: germline.

Labcorp Genetics (formerly Invitae), Labcorp
Classification: Uncertain significance. Last evaluated: 2022-09-01. Review status: criteria provided, single submitter. Criteria: Invitae Variant Classification Sherloc (09022015). Collection method: clinical testing. Allele origin: germline.
Comment: This sequence change replaces serine, which is neutral and polar, with proline, which is neutral and non-polar, at codon 60 of the SI protein (p.Ser60Pro). This variant is present in population databases (rs755487744, gnomAD 0.002%). This variant has not been reported in the literature in individuals affected with SI-related conditions. ClinVar contains an entry for this variant (Variation ID: 1360738). Advanced modeling of protein sequence and biophysical properties (such as structural, functional, and spatial information, amino acid conservation, physicochemical variation, residue mobility, and thermodynamic stability) performed at Invitae indicates that this missense variant is not expected to disrupt SI protein function. In summary, the available evidence is currently insufficient to determine the role of this variant in disease. Therefore, it has been classified as a Variant of Uncertain Significance.

NM_001041.4(SI):c.178T>C (p.Ser60Pro)

Gene: SI (sucrase-isomaltase; minus strand). Cytogenetic location: 3q26.1.
Variant type: single nucleotide variant.
Coding change: c.178T>C on transcript NM_001041.4 (MANE Select); coding-DNA position 178, T replaced by C.
Protein change: p.Ser60Pro; replaces serine 60 with proline.
Molecular consequence: missense variant.
Genome position (GRCh38, 1-based): chr3:165,074,608, A>G on the plus strand (T>C on the coding strand, the complement: SI is on the minus strand). VCF-style: chr3-165074608-A-G. GRCh37 (hg19) VCF-style: chr3-164792396-A-G.
Other names: c.178T>C (NM_001041.3); short protein forms S60P.
Identifiers: ClinVar variation 1360738 (VCV001360738.6), dbSNP rs755487744, ClinGen allele CA2691595.
Genomic context (GRCh38, chr3:165,074,608, plus strand): 5'-CTGGAATGCAGTTTATTCTCACATTGACAGGATCATTTAACACATTTGGACATTTTCCTG[A>G]ATCAGAAGGATTTGTAGTCACACGAGTAGTAGCTGGAGTTGAAGTAGAATCACTAATTTC-3'
Protein context (NP_001032.2, residues 50-70): TTRVTTNPSD[Ser60Pro]GKCPNVLNDP